The following is an entry in ClinVar:

NM_001347721.2(DYRK1A):c.457G>A (p.Asp153Asn)

Gene: DYRK1A (dual specificity tyrosine phosphorylation regulated kinase 1A; plus strand). Cytogenetic location: 21q22.13.
Variant type: single nucleotide variant.
Coding change: c.457G>A on transcript NM_001347721.2 (MANE Select); coding-DNA position 457, G replaced by A.
Protein change: p.Asp153Asn; replaces aspartic acid 153 with asparagine.
Molecular consequence: missense variant.
Genome position (GRCh38, 1-based): chr21:37,480,794, G>A. VCF-style: chr21-37480794-G-A. GRCh37 (hg19) VCF-style: chr21-38853096-G-A.
Other names: c.457G>A, p.Asp153Asn (NM_001347722.2, NM_130436.2); c.370G>A, p.Asp124Asn (NM_001347723.2); c.484G>A, p.Asp162Asn (NM_001396.5, NM_101395.2, NM_130438.2); short protein forms D124N, D153N, D162N.
Identifiers: ClinVar variation 4797349 (VCV004797349.1).

ClinVar aggregate classification (germline): Uncertain significance (1 of 4 stars; one submission).

Conditions:
DYRK1A-related intellectual disability syndrome (MRD7). Also called: Intellectual developmental disorder, autosomal dominant 7; DYRK1A Syndrome. Identifiers: Orphanet 464306, MedGen C5568143, MONDO:0013578, OMIM 614104.

Submission:

Labcorp Genetics (formerly Invitae), Labcorp
Classification: Uncertain significance for DYRK1A-related intellectual disability syndrome. Last evaluated: 2025-10-10. Review status: criteria provided, single submitter. Criteria: Invitae Variant Classification Sherloc (09022015). Collection method: clinical testing. Allele origin: germline.
Comment: This sequence change replaces aspartic acid, which is acidic and polar, with asparagine, which is neutral and polar, at codon 162 of the DYRK1A protein (p.Asp162Asn). This variant is not present in population databases (gnomAD no frequency). This variant has not been reported in the literature in individuals affected with DYRK1A-related conditions. Invitae Evidence Modeling of protein sequence and biophysical properties (such as structural, functional, and spatial information, amino acid conservation, physicochemical variation, residue mobility, and thermodynamic stability) indicates that this missense variant is not expected to disrupt DYRK1A protein function with a negative predictive value of 80%. In summary, the available evidence is currently insufficient to determine the role of this variant in disease. Therefore, it has been classified as a Variant of Uncertain Significance.